The following is an entry in ClinVar:

ClinVar aggregate classification (germline): Uncertain significance (1 of 4 stars; one submission).

Conditions:
Inborn genetic diseases. Identifiers: MedGen C0950123, MeSH D030342.

Submission:

Ambry Genetics
Classification: Uncertain significance for Inborn genetic diseases. Last evaluated: 2020-03-25. Review status: criteria provided, single submitter. Criteria: Ambry Variant Classification Scheme 2023. Collection method: clinical testing. Allele origin: germline.
Comment: The p.L60V variant (also known as c.178C>G), located in coding exon 1 of the SLC52A3 gene, results from a C to G substitution at nucleotide position 178. The leucine at codon 60 is replaced by valine, an amino acid with highly similar properties. This amino acid position is highly conserved in available vertebrate species. In addition, the in silico prediction for this alteration is inconclusive. Since supporting evidence is limited at this time, the clinical significance of this alteration remains unclear.

NM_033409.4(SLC52A3):c.178C>G (p.Leu60Val)

Gene: SLC52A3 (solute carrier family 52 member 3; minus strand). Cytogenetic location: 20p13.
Variant type: single nucleotide variant.
Coding change: c.178C>G on transcript NM_033409.4 (MANE Select); coding-DNA position 178, C replaced by G.
Protein change: p.Leu60Val; replaces leucine 60 with valine.
Molecular consequence: missense variant.
Genome position (GRCh38, 1-based): chr20:765,597, G>C on the plus strand (C>G on the coding strand, the complement: SLC52A3 is on the minus strand). VCF-style: chr20-765597-G-C. GRCh37 (hg19) VCF-style: chr20-746241-G-C.
Other names: c.178C>G, p.Leu60Val (NM_001370085.1, NM_001370086.1); short protein forms L60V.
Identifiers: ClinVar variation 1780166 (VCV001780166.2), dbSNP rs771506715, ClinGen allele CA310679332.